The following is an entry in ClinVar:

NM_004656.4(BAP1):c.783+8C>A

Gene: BAP1 (BRCA1 associated deubiquitinase 1; minus strand). Cytogenetic location: 3p21.1.
Variant type: single nucleotide variant.
Coding change: c.783+8C>A on transcript NM_004656.4 (MANE Select); 8 bases into the intron after coding-DNA position 783, C replaced by A.
Molecular consequence: intron variant.
Genome position (GRCh38, 1-based): chr3:52,406,245, G>T on the plus strand (C>A on the coding strand, the complement: BAP1 is on the minus strand). VCF-style: chr3-52406245-G-T. GRCh37 (hg19) VCF-style: chr3-52440261-G-T.
Other names: c.729+8C>A (NM_001410772.1).
Identifiers: ClinVar variation 2731801 (VCV002731801.4), dbSNP rs769105581, ClinGen allele CA2437005.

ClinVar aggregate classification (germline): Likely benign. Review status: criteria provided, multiple submitters, no conflicts (2 of 4 stars). 2 submissions from 2 submitters: Likely benign (2). Last evaluated 2025-01-21.

Conditions:
BAP1-related tumor predisposition syndrome (TPDS1). Also called: BAP1 tumor predisposition syndrome; Tumor susceptibility linked to germline BAP1 mutations; COMMON Syndrome; TUMOR PREDISPOSITION SYNDROME 1. Identifiers: Orphanet 289539, MedGen C3280492, MONDO:0013692, OMIM 614327.

Allele frequency attached by ClinVar (database versions not stated): ExAC 0.00001.

Submissions (2):

Labcorp Genetics (formerly Invitae), Labcorp
Classification: Likely benign for BAP1-related tumor predisposition syndrome. Last evaluated: 2025-01-21. Review status: criteria provided, single submitter. Criteria: Invitae Variant Classification Sherloc (09022015). Collection method: clinical testing. Allele origin: germline.

Myriad Genetics, Inc.
Classification: Likely benign for BAP1-related tumor predisposition syndrome. Last evaluated: 2024-07-15. Review status: criteria provided, single submitter. Criteria: Myriad Autosomal Dominant, Autosomal Recessive and X-Linked Classification Criteria (2023). Collection method: clinical testing. Allele origin: unknown.
Comment: This variant is considered likely benign. This variant is intronic and is not expected to impact mRNA splicing.